The following is an entry in ClinVar:

NM_173354.5(SIK1):c.1554G>T (p.Ala518=)

Gene: SIK1 (salt inducible kinase 1; minus strand). Cytogenetic location: 21q22.3.
Variant type: single nucleotide variant.
Coding change: c.1554G>T on transcript NM_173354.5 (MANE Select); coding-DNA position 1554, G replaced by T.
Protein change: p.Ala518=; no amino-acid change (alanine 518 retained).
Molecular consequence: synonymous variant.
Genome position (GRCh38, 1-based): chr21:43,418,450, C>A on the plus strand (G>T on the coding strand, the complement: SIK1 is on the minus strand). VCF-style: chr21-43418450-C-A. GRCh37 (hg19) VCF-style: chr21-44838330-C-A.
Other names: p.Ala518=.
Identifiers: ClinVar variation 476089 (VCV000476089.18), dbSNP rs34487963, ClinGen allele CA321325455.

ClinVar aggregate classification (germline): Benign. Review status: criteria provided, multiple submitters, no conflicts (2 of 4 stars). 5 submissions from 5 submitters: Benign (5). Last evaluated 2026-02-03.

Conditions:
Developmental and epileptic encephalopathy, 30 (DEE30). Also called: Epileptic encephalopathy, early infantile, 30. Identifiers: MedGen C4225360, MONDO:0014595, OMIM 616341.
Inborn genetic diseases. Identifiers: MedGen C0950123, MeSH D030342.

Allele frequency attached by ClinVar (database versions not stated): gnomAD exomes 0.00183; gnomAD 0.01593; ESP Exome Variant Server 0.01608; TOPMed 0.01936; ExAC 0.03491; 1000 Genomes Project 0.05351.

Submissions (5):

Labcorp Genetics (formerly Invitae), Labcorp
Classification: Benign for Developmental and epileptic encephalopathy, 30. Last evaluated: 2026-02-03. Review status: criteria provided, single submitter. Criteria: Invitae Variant Classification Sherloc (09022015). Collection method: clinical testing. Allele origin: germline.

Athena Diagnostics
Classification: Benign. Last evaluated: 2025-07-01. Review status: criteria provided, single submitter. Criteria: Athena Diagnostics Criteria. Collection method: clinical testing. Allele origin: unknown.
Comment: The frequency of this variant in the general population is higher than would generally be expected for pathogenic variants in this gene.

Mayo Clinic Laboratories, Mayo Clinic
Classification: Benign. Last evaluated: 2018-08-02. Review status: criteria provided, single submitter. Criteria: ACMG Guidelines, 2015. Collection method: clinical testing. Allele origin: germline. Observed: 19 variant alleles.

Ambry Genetics
Classification: Benign for Inborn genetic diseases. Last evaluated: 2016-06-14. Review status: criteria provided, single submitter. Criteria: Ambry Variant Classification Scheme 2023. Collection method: clinical testing. Allele origin: germline.

Breakthrough Genomics
Classification: Benign. Review status: criteria provided, single submitter. Criteria: ACMG Guidelines, 2015. Collection method: not provided. Allele origin: germline. Inheritance: Autosomal dominant inheritance. Affected: yes.